The following is an entry in ClinVar:

NM_002351.5(SH2D1A):c.32T>A (p.Ile11Asn)

Gene: SH2D1A (SH2 domain containing 1A; plus strand). Cytogenetic location: Xq25.
Variant type: single nucleotide variant.
Coding change: c.32T>A on transcript NM_002351.5 (MANE Select); coding-DNA position 32, T replaced by A.
Protein change: p.Ile11Asn; replaces isoleucine 11 with asparagine.
Molecular consequence: missense variant.
Genome position (GRCh38, 1-based): chrX:124,346,674, T>A. VCF-style: chrX-124346674-T-A. GRCh37 (hg19) VCF-style: chrX-123480524-T-A.
Other names: c.32T>A, p.Ile11Asn (NM_001114937.3); short protein forms I11N.
Identifiers: ClinVar variation 4071530 (VCV004071530.1).

ClinVar aggregate classification (germline): Uncertain significance (1 of 4 stars; one submission).

Conditions:
X-linked lymphoproliferative disease due to SH2D1A deficiency (XLP1). Also called: PURTILO SYNDROME; EBV infection severe susceptibility to; Epstein Barr virus infection familial fatal; Duncan's syndrome; SH2D1A-Related Lymphoproliferative Disease, X-Linked; DUNCAN DISEASE. Identifiers: Orphanet 2442, Orphanet 538931, MedGen C5399825, MONDO:0024551, OMIM 308240.

Submission:

Next Generation Genetic Polyclinic
Classification: Uncertain significance for X-linked lymphoproliferative disease due to SH2D1A deficiency. Last evaluated: 2025-04-09. Review status: criteria provided, single submitter. Criteria: ACMG Guidelines, 2015. Collection method: curation. Allele origin: germline. Affected: yes. Observed: 1 variant allele.
Comment: A novel missense variant in the SH2D1A gene (c.32T>A) was identified by curation in a hemizygous state consistent with X-linked recessive inheritance. The variant is novel with no population frequency data or in silico predictions available, and its clinical significance remains uncertain, currently classified as a Variant of Uncertain Significance (VUS).